The following is an entry in ClinVar:

ClinVar aggregate classification (germline): Uncertain significance. Review status: reviewed by expert panel (3 of 4 stars). 5 submissions from 5 submitters: Uncertain significance (1). 4 of the submissions do not count toward it. Last evaluated 2023-04-05.

Conditions:
PALB2-related cancer predisposition. Identifiers: MedGen CN377761, MONDO:0700272.
Hereditary cancer-predisposing syndrome. Also called: Tumor predisposition; Neoplastic Syndromes, Hereditary; Hereditary Cancer Syndrome; Hereditary neoplastic syndrome. Identifiers: Orphanet 140162, MedGen C0027672, MeSH D009386, MONDO:0015356.
Familial cancer of breast. Also called: Hereditary breast cancer; BREAST CANCER, FAMILIAL; hereditary breast carcinoma. Identifiers: Orphanet 227535, MedGen C0346153, MONDO:0016419, OMIM 114480. Disease mechanism: loss of function.

Submissions (5):

ClinGen Hereditary Breast, Ovarian and Pancreatic Cancer Variant Curation Expert Panel, ClinGen
Classification: Uncertain significance for PALB2-related cancer predisposition. Last evaluated: 2023-04-05. Review status: reviewed by expert panel. Criteria: ClinGen HBOP VCEP ACMG Specifications PALB2 V1.0.0. Collection method: curation. Allele origin: germline. Inheritance: Autosomal dominant inheritance.
Comment: The c.871G>A variant in PALB2 is a missense variant predicted to cause substitution of alanine by threonine at amino acid 291 (p.Ala291Thr). This variant is absent from gnomAD v2.1.1. PALB2, in which the variant was identified, is defined by the HBOP VCEP as a gene for which primarily truncating variants are known to cause disease. In summary, this variant meets the criteria to be classified as a Variant of Uncertain Significance for autosomal dominant hereditary breast and pancreatic cancer and autosomal recessive FANCN based on the ACMG/AMP criteria applied, as specified by the HBOP VCEP. (BP1, PM2_Supporting)

Labcorp Genetics (formerly Invitae), Labcorp
Classification: Uncertain significance for Familial cancer of breast. Last evaluated: 2025-07-22. Review status: criteria provided, single submitter. Criteria: Invitae Variant Classification Sherloc (09022015). Collection method: clinical testing. Allele origin: germline. Not counted in ClinVar's aggregate classification.
Comment: This sequence change replaces alanine, which is neutral and non-polar, with threonine, which is neutral and polar, at codon 291 of the PALB2 protein (p.Ala291Thr). This variant is not present in population databases (gnomAD no frequency). This variant has not been reported in the literature in individuals affected with PALB2-related conditions. ClinVar contains an entry for this variant (Variation ID: 241572). An algorithm developed to predict the effect of missense changes on protein structure and function outputs the following: PolyPhen-2: "Benign". The threonine amino acid residue is found in multiple mammalian species, which suggests that this missense change does not adversely affect protein function. In summary, the available evidence is currently insufficient to determine the role of this variant in disease. Therefore, it has been classified as a Variant of Uncertain Significance.

Ambry Genetics
Classification: Likely benign for Hereditary cancer-predisposing syndrome. Last evaluated: 2024-03-27. Review status: criteria provided, single submitter. Criteria: Ambry Variant Classification Scheme 2023. Collection method: clinical testing. Allele origin: germline. Not counted in ClinVar's aggregate classification.

Color Diagnostics, LLC DBA Color Health
Classification: Uncertain significance for Hereditary cancer-predisposing syndrome. Last evaluated: 2023-12-04. Review status: criteria provided, single submitter. Criteria: ACMG Guidelines, 2015. Collection method: clinical testing. Allele origin: germline. Not counted in ClinVar's aggregate classification.
Comment: This missense variant replaces alanine with threonine at codon 291 of the PALB2 protein. Computational prediction suggests that this variant may not impact protein structure and function (internally defined REVEL score threshold <= 0.5, PMID: 27666373). To our knowledge, functional studies have not been reported for this variant. This variant has not been reported in individuals affected with PALB2-related disorders in the literature. This variant has not been identified in the general population by the Genome Aggregation Database (gnomAD). The available evidence is insufficient to determine the role of this variant in disease conclusively. Therefore, this variant is classified as a Variant of Uncertain Significance.

Women's Health and Genetics/Laboratory Corporation of America, LabCorp
Classification: Uncertain significance. Last evaluated: 2023-09-17. Review status: criteria provided, single submitter. Criteria: LabCorp Variant Classification Summary - May 2015. Collection method: clinical testing. Allele origin: germline. Not counted in ClinVar's aggregate classification.

NM_024675.4(PALB2):c.871G>A (p.Ala291Thr)

Gene: PALB2 (partner and localizer of BRCA2; minus strand). Cytogenetic location: 16p12.2.
Variant type: single nucleotide variant.
Coding change: c.871G>A on transcript NM_024675.4 (MANE Select); coding-DNA position 871, G replaced by A.
Protein change: p.Ala291Thr; replaces alanine 291 with threonine.
Molecular consequence: missense variant.
Genome position (GRCh38, 1-based): chr16:23,635,675, C>T on the plus strand (G>A on the coding strand, the complement: PALB2 is on the minus strand). VCF-style: chr16-23635675-C-T. GRCh37 (hg19) VCF-style: chr16-23646996-C-T.
Other names: NM_024675.3(PALB2):c.871G>A; p.Ala291Thr; short protein forms A291T.
Identifiers: ClinVar variation 241572 (VCV000241572.21), dbSNP rs878855124, ClinGen allele CA10583380.